The following is an entry in ClinVar:

NM_000222.3(KIT):c.1360G>C (p.Val454Leu)

Gene: KIT (KIT proto-oncogene, receptor tyrosine kinase; plus strand). Cytogenetic location: 4q12.
Variant type: single nucleotide variant.
Coding change: c.1360G>C on transcript NM_000222.3 (MANE Select); coding-DNA position 1360, G replaced by C.
Protein change: p.Val454Leu; replaces valine 454 with leucine.
Molecular consequence: missense variant.
Genome position (GRCh38, 1-based): chr4:54,725,870, G>C. VCF-style: chr4-54725870-G-C. GRCh37 (hg19) VCF-style: chr4-55592036-G-C.
Other names: c.1360G>C, p.Val454Leu (NM_001093772.2, NM_001385285.1, NM_001385286.1); c.1363G>C, p.Val455Leu (NM_001385284.1, NM_001385288.1, NM_001385290.1 and 1 more transcripts); short protein forms V454L, V455L.
Identifiers: ClinVar variation 568040 (VCV000568040.11), dbSNP rs1560415938, ClinGen allele CA356906235.
Genomic context (GRCh38, chr4:54,725,870, plus strand): 5'-ATTTATTTTCCTAGAGTAAGCCAGGGCTTTTGTTTTCTTCCCTTTAGATGCTCTGCTTCT[G>C]TACTGCCAGTGGATGTGCAGACACTAAACTCATCTGGGCCACCGTTTGGAAAGCTAGTGG-3'
Protein context (NP_000213.1, residues 444-464): PGTEQRCSAS[Val454Leu]LPVDVQTLNS

ClinVar aggregate classification (germline): Uncertain significance. Review status: criteria provided, multiple submitters, no conflicts (2 of 4 stars). 2 submissions from 2 submitters: Uncertain significance (2). Last evaluated 2022-01-06.

Conditions:
Hereditary cancer-predisposing syndrome. Also called: Hereditary neoplastic syndrome; Neoplastic Syndromes, Hereditary; Hereditary Cancer Syndrome; Tumor predisposition. Identifiers: Orphanet 140162, MedGen C0027672, MeSH D009386, MONDO:0015356.
Gastrointestinal stromal tumor. Also called: Gastrointestinal stromal tumor, somatic; Gastrointestinal stroma tumor. Identifiers: Orphanet 44890, MedGen C0238198, MeSH D046152, MONDO:0011719, OMIM 606764, HP:0100723.

Submissions (2):

Ambry Genetics
Classification: Uncertain significance for Hereditary cancer-predisposing syndrome. Last evaluated: 2022-01-06. Review status: criteria provided, single submitter. Criteria: Ambry Variant Classification Scheme 2023. Collection method: clinical testing. Allele origin: germline.
Comment: The p.V454L variant (also known as c.1360G>C), located in coding exon 9 of the KIT gene, results from a G to C substitution at nucleotide position 1360. The valine at codon 454 is replaced by leucine, an amino acid with highly similar properties. This amino acid position is conserved. In addition, this alteration is predicted to be tolerated by in silico analysis. Since supporting evidence is limited at this time, the clinical significance of this alteration remains unclear.

Labcorp Genetics (formerly Invitae), Labcorp
Classification: Uncertain significance for Gastrointestinal stromal tumor. Last evaluated: 2018-01-10. Review status: criteria provided, single submitter. Criteria: Invitae Variant Classification Sherloc (09022015). Collection method: clinical testing. Allele origin: germline.
Comment: In summary, the available evidence is currently insufficient to determine the role of this variant in disease. Therefore, it has been classified as a Variant of Uncertain Significance. Algorithms developed to predict the effect of missense changes on protein structure and function (SIFT, PolyPhen-2, Align-GVGD) all suggest that this variant is likely to be tolerated, but these predictions have not been confirmed by published functional studies and their clinical significance is uncertain. This variant has not been reported in the literature in individuals with KIT-related disease. This variant is not present in population databases (ExAC no frequency). This sequence change replaces valine with leucine at codon 454 of the KIT protein (p.Val454Leu). The valine residue is moderately conserved and there is a small physicochemical difference between valine and leucine.